The following is an entry in ClinVar:

NM_001375567.1(FOCAD):c.4154C>T (p.Ser1385Phe)

Gene: FOCAD (focadhesin; plus strand). Cytogenetic location: 9p21.3.
Variant type: single nucleotide variant.
Coding change: c.4154C>T on transcript NM_001375567.1 (MANE Select); coding-DNA position 4154, C replaced by T.
Protein change: p.Ser1385Phe; replaces serine 1385 with phenylalanine.
Molecular consequence: missense variant.
Genome position (GRCh38, 1-based): chr9:20,976,441, C>T. VCF-style: chr9-20976441-C-T. GRCh37 (hg19) VCF-style: chr9-20976440-C-T.
Other names: c.4049C>T, p.Ser1350Phe (NM_001375568.1, NM_001375570.1); c.4154C>T, p.Ser1385Phe (NM_017794.5); short protein forms S1385F, S1350F.
Identifiers: ClinVar variation 4742694 (VCV004742694.1).

ClinVar aggregate classification (germline): Uncertain significance (1 of 4 stars; one submission).

gnomAD v4.1: 8 of 1,613,028 alleles (0.0005%); highest among the groups gnomAD compares: African/African-American, 0.0013%; no homozygotes.

Submission:

Labcorp Genetics (formerly Invitae), Labcorp
Classification: Uncertain significance. Last evaluated: 2025-10-13. Review status: criteria provided, single submitter. Criteria: Invitae Variant Classification Sherloc (09022015). Collection method: clinical testing. Allele origin: germline.
Comment: This sequence change replaces serine, which is neutral and polar, with phenylalanine, which is neutral and non-polar, at codon 1385 of the FOCAD protein (p.Ser1385Phe). This variant is present in population databases (no rsID available, gnomAD 0.003%). This variant has not been reported in the literature in individuals affected with FOCAD-related conditions. Experimental studies and prediction algorithms are not available or were not evaluated, and the functional significance of this variant is currently unknown. In summary, the available evidence is currently insufficient to determine the role of this variant in disease. Therefore, it has been classified as a Variant of Uncertain Significance.